The following is an entry in ClinVar:

ClinVar aggregate classification (germline): Conflicting classifications of pathogenicity. Review status: criteria provided, conflicting classifications (1 of 4 stars). 2 submissions from 2 submitters: Uncertain significance (1); Likely benign (1). Last evaluated 2025-10-01.

Conditions:
Dehydrated hereditary stomatocytosis 2 (DHS2). Also called: XEROCYTOSIS GARDOS; DESICCYTOSIS GARDOS. Identifiers: Orphanet 3202, MedGen C4225242, MONDO:0014737, OMIM 616689.

Allele frequency attached by ClinVar (database versions not stated): ExAC 0.00001; gnomAD exomes 0.00003; TOPMed 0.00004; gnomAD 0.00005.

Submissions (2):

CeGaT Center for Human Genetics Tuebingen
Classification: Likely benign. Last evaluated: 2025-10-01. Review status: criteria provided, single submitter. Criteria: CeGaT Center For Human Genetics Tuebingen Variant Classification Criteria Version 2. Collection method: clinical testing. Allele origin: germline. Affected: yes. Observed: 1 variant allele.
Comment: KCNN4: BP5, BS2

Revvity Omics, Revvity
Classification: Uncertain significance for Dehydrated hereditary stomatocytosis 2. Last evaluated: 2025-07-22. Review status: criteria provided, single submitter. Criteria: ACMG Guidelines, 2015. Collection method: clinical testing. Allele origin: germline.

NM_002250.3(KCNN4):c.20T>C (p.Leu7Pro)

Gene: KCNN4 (potassium calcium-activated channel subfamily N member 4; minus strand). Cytogenetic location: 19q13.31.
Variant type: single nucleotide variant.
Coding change: c.20T>C on transcript NM_002250.3 (MANE Select); coding-DNA position 20, T replaced by C.
Protein change: p.Leu7Pro; replaces leucine 7 with proline.
Molecular consequence: missense variant.
Genome position (GRCh38, 1-based): chr19:43,780,842, A>G on the plus strand (T>C on the coding strand, the complement: KCNN4 is on the minus strand). VCF-style: chr19-43780842-A-G. GRCh37 (hg19) VCF-style: chr19-44284994-A-G.
Other names: short protein forms L7P.
Identifiers: ClinVar variation 2689292 (VCV002689292.8), dbSNP rs201687359, ClinGen allele CA9492123.